The following is an entry in ClinVar:

ClinVar aggregate classification (germline): Uncertain significance (1 of 4 stars; one submission).

Conditions:
RASopathy. Also called: rasopathies; Noonan spectrum disorder. Identifiers: Orphanet 536391, MedGen C5555857, MONDO:0021060.

Submission:

Labcorp Genetics (formerly Invitae), Labcorp
Classification: Uncertain significance for RASopathy. Last evaluated: 2025-11-09. Review status: criteria provided, single submitter. Criteria: Invitae Variant Classification Sherloc (09022015). Collection method: clinical testing. Allele origin: germline.
Comment: This sequence change replaces tyrosine, which is neutral and polar, with histidine, which is basic and polar, at codon 300 of the MAP2K1 protein (p.Tyr300His). This variant is not present in population databases (gnomAD no frequency). This variant has not been reported in the literature in individuals affected with MAP2K1-related conditions. Invitae Evidence Modeling of protein sequence and biophysical properties (such as structural, functional, and spatial information, amino acid conservation, physicochemical variation, residue mobility, and thermodynamic stability) indicates that this missense variant is not expected to disrupt MAP2K1 protein function with a negative predictive value of 95%. In summary, the available evidence is currently insufficient to determine the role of this variant in disease. Therefore, it has been classified as a Variant of Uncertain Significance.

NM_002755.4(MAP2K1):c.898T>C (p.Tyr300His)

Gene: MAP2K1 (mitogen-activated protein kinase kinase 1; plus strand). Cytogenetic location: 15q22.31.
Variant type: single nucleotide variant.
Coding change: c.898T>C on transcript NM_002755.4 (MANE Select); coding-DNA position 898, T replaced by C.
Protein change: p.Tyr300His; replaces tyrosine 300 with histidine.
Molecular consequence: missense variant.
Genome position (GRCh38, 1-based): chr15:66,487,230, T>C. VCF-style: chr15-66487230-T-C. GRCh37 (hg19) VCF-style: chr15-66779568-T-C.
Other names: c.754T>C, p.Tyr252His (NM_001411065.1); short protein forms Y252H, Y300H.
Identifiers: ClinVar variation 4744325 (VCV004744325.1).